The following is an entry in ClinVar:

ClinVar aggregate classification (germline): Uncertain significance (1 of 4 stars; one submission).

Conditions:
Joubert syndrome. Also called: CEREBELLOPARENCHYMAL DISORDER IV; JOUBERT-BOLTSHAUSER SYNDROME; Familial aplasia of the vermis. Identifiers: Orphanet 475, MedGen C5979921, MONDO:0018772.
Meckel-Gruber syndrome. Also called: DYSENCEPHALIA SPLANCHNOCYSTICA; GRUBER SYNDROME; Dysencephalia splachnocystica. Identifiers: Orphanet 564, MedGen C0265215, MONDO:0018921.

Submission:

Labcorp Genetics (formerly Invitae), Labcorp
Classification: Uncertain significance for Joubert syndrome; Meckel-Gruber syndrome. Last evaluated: 2022-02-02. Review status: criteria provided, single submitter. Criteria: Invitae Variant Classification Sherloc (09022015). Collection method: clinical testing. Allele origin: germline.
Comment: In summary, the available evidence is currently insufficient to determine the role of this variant in disease. Therefore, it has been classified as a Variant of Uncertain Significance. Advanced modeling of protein sequence and biophysical properties (such as structural, functional, and spatial information, amino acid conservation, physicochemical variation, residue mobility, and thermodynamic stability) performed at Invitae indicates that this missense variant is not expected to disrupt TMEM67 protein function. This variant has not been reported in the literature in individuals affected with TMEM67-related conditions. This variant is not present in population databases (gnomAD no frequency). This sequence change replaces phenylalanine, which is neutral and non-polar, with leucine, which is neutral and non-polar, at codon 609 of the TMEM67 protein (p.Phe609Leu).

NM_153704.6(TMEM67):c.1825T>C (p.Phe609Leu)

Gene: TMEM67 (transmembrane protein 67; plus strand). Cytogenetic location: 8q22.1.
Variant type: single nucleotide variant.
Coding change: c.1825T>C on transcript NM_153704.6 (MANE Select); coding-DNA position 1825, T replaced by C.
Protein change: p.Phe609Leu; replaces phenylalanine 609 with leucine.
Molecular consequence: missense variant. On other transcripts: non-coding transcript variant (1).
Genome position (GRCh38, 1-based): chr8:93,795,952, T>C. VCF-style: chr8-93795952-T-C. GRCh37 (hg19) VCF-style: chr8-94808180-T-C.
Other names: c.1582T>C, p.Phe528Leu (NM_001142301.1); short protein forms F609L, F528L.
Identifiers: ClinVar variation 2091808 (VCV002091808.4), dbSNP rs2536899130, ClinGen allele CA371693067.